The following is an entry in ClinVar:

ClinVar aggregate classification (germline): Pathogenic (1 of 4 stars; one submission).

Conditions:
Autosomal recessive limb-girdle muscular dystrophy type 2C (LGMDR5). Also called: MUSCULAR DYSTROPHY, LIMB-GIRDLE, AUTOSOMAL RECESSIVE 5; MUSCULAR DYSTROPHY, DUCHENNE-LIKE. Identifiers: Orphanet 353, MedGen C0410173, MONDO:0009677, OMIM 253700. Disease mechanism: Affects gamma-sarcoglycan and also disrupts the integrity of the entire sarcoglycan complex..

Submission:

Labcorp Genetics (formerly Invitae), Labcorp
Classification: Pathogenic for Autosomal recessive limb-girdle muscular dystrophy type 2C. Last evaluated: 2021-04-23. Review status: criteria provided, single submitter. Criteria: Invitae Variant Classification Sherloc (09022015). Collection method: clinical testing. Allele origin: germline.
Comment: This sequence change creates a premature translational stop signal (p.Tyr29*) in the SGCG gene. It is expected to result in an absent or disrupted protein product. Loss-of-function variants in SGCG are known to be pathogenic (PMID: 18285821). This variant is not present in population databases (ExAC no frequency). This variant has not been reported in the literature in individuals with SGCG-related conditions. Algorithms developed to predict the effect of sequence changes on RNA splicing suggest that this variant may create or strengthen a splice site, but this prediction has not been confirmed by published transcriptional studies. For these reasons, this variant has been classified as Pathogenic.

Literature cited by the submitters: PubMed 18285821.

NM_000231.3(SGCG):c.87T>A (p.Tyr29Ter)

Gene: SGCG (sarcoglycan gamma; plus strand). Cytogenetic location: 13q12.12.
Variant type: single nucleotide variant.
Coding change: c.87T>A on transcript NM_000231.3 (MANE Select); coding-DNA position 87, T replaced by A.
Protein change: p.Tyr29Ter; replaces tyrosine 29 with a stop codon.
Molecular consequence: nonsense.
Genome position (GRCh38, 1-based): chr13:23,203,781, T>A. VCF-style: chr13-23203781-T-A. GRCh37 (hg19) VCF-style: chr13-23777920-T-A.
Other names: c.141T>A, p.Tyr47Ter (NM_001378244.1); c.87T>A, p.Tyr29Ter (NM_001378245.1, NM_001378246.1); short protein forms Y29*, Y47*.
Identifiers: ClinVar variation 1397202 (VCV001397202.6), dbSNP rs1196026821, ClinGen allele CA387502486.